The following is an entry in ClinVar:

NM_001349338.3(FOXP1):c.1409A>G (p.Tyr470Cys)

Gene: FOXP1 (forkhead box P1; minus strand). Cytogenetic location: 3p13.
Variant type: single nucleotide variant.
Coding change: c.1409A>G on transcript NM_001349338.3 (MANE Select); coding-DNA position 1409, A replaced by G.
Protein change: p.Tyr470Cys; replaces tyrosine 470 with cysteine.
Molecular consequence: missense variant. On other transcripts: non-coding transcript variant (2).
Genome position (GRCh38, 1-based): chr3:70,977,662, T>C on the plus strand (A>G on the coding strand, the complement: FOXP1 is on the minus strand). VCF-style: chr3-70977662-T-C. GRCh37 (hg19) VCF-style: chr3-71026813-T-C.
Other names: c.1406A>G, p.Tyr469Cys (NM_001244808.3, NM_001349341.3); c.1409A>G, p.Tyr470Cys (NM_001244810.2, NM_001244814.3, NM_001244816.2 and 2 more transcripts); c.1181A>G, p.Tyr394Cys (NM_001244812.3); c.1109A>G, p.Tyr370Cys (NM_001244813.3, NM_001244815.2, NM_001349342.3); c.1106A>G, p.Tyr369Cys (NM_001349337.2, NM_001349343.3, NM_001349344.3 and 1 more transcripts); short protein forms Y470C, Y370C, Y469C, Y369C, Y394C.
Identifiers: ClinVar variation 280463 (VCV000280463.29), dbSNP rs769448730, ClinGen allele CA2490997.

ClinVar aggregate classification (germline): Pathogenic. Review status: criteria provided, multiple submitters, no conflicts (2 of 4 stars). 2 submissions from 2 submitters: Pathogenic (2). Last evaluated 2023-07-01.

Allele frequency attached by ClinVar (database versions not stated): gnomAD exomes below 0.00001; ExAC 0.00001.

Submissions (2):

CeGaT Center for Human Genetics Tuebingen
Classification: Pathogenic. Last evaluated: 2023-07-01. Review status: criteria provided, single submitter. Criteria: CeGaT Center For Human Genetics Tuebingen Variant Classification Criteria Version 2. Collection method: clinical testing. Allele origin: germline. Affected: yes. Observed: 1 variant allele.
Comment: FOXP1: PS2:Very Strong, PM2, PP3

GeneDx
Classification: Pathogenic. Last evaluated: 2022-07-20. Review status: criteria provided, single submitter. Criteria: GeneDx Variant Classification Process June 2021. Collection method: clinical testing. Allele origin: germline. Affected: yes.
Comment: Not observed at significant frequency in large population cohorts (gnomAD); In silico analysis supports that this missense variant has a deleterious effect on protein structure/function; This variant is associated with the following publications: (PMID: 29090079, 31526516, 31199603)